The following is an entry in ClinVar:

ClinVar aggregate classification (germline): Likely benign (0 of 4 stars; one submission).

Conditions:
NSD3-related disorder. Also called: NSD3-related condition.

Allele frequency attached by ClinVar (database versions not stated): gnomAD exomes 0.00019; ExAC 0.00062; gnomAD 0.00203; TOPMed 0.00210; 1000 Genomes Project 0.00280; ESP Exome Variant Server 0.00287; 1000 Genomes Project 30x 0.00312.

Submission:

PreventionGenetics, part of Exact Sciences
Classification: Likely benign for NSD3-related condition. Last evaluated: 2020-05-11. Review status: no assertion criteria provided. Collection method: clinical testing. Allele origin: germline.
Comment: This variant is classified as likely benign based on ACMG/AMP sequence variant interpretation guidelines (Richards et al. 2015 PMID: 25741868, with internal and published modifications).

NM_023034.2(NSD3):c.3523G>A (p.Val1175Ile)

Gene: NSD3 (nuclear receptor binding SET domain protein 3; minus strand). Cytogenetic location: 8p11.23.
Variant type: single nucleotide variant.
Coding change: c.3523G>A on transcript NM_023034.2 (MANE Select); coding-DNA position 3523, G replaced by A.
Protein change: p.Val1175Ile; replaces valine 1175 with isoleucine.
Molecular consequence: missense variant.
Genome position (GRCh38, 1-based): chr8:38,281,562, C>T on the plus strand (G>A on the coding strand, the complement: NSD3 is on the minus strand). VCF-style: chr8-38281562-C-T. GRCh37 (hg19) VCF-style: chr8-38139080-C-T.
Other names: short protein forms V1175I.
Identifiers: ClinVar variation 3058261 (VCV003058261.2), dbSNP rs116288817, ClinGen allele CA4716870.